The following is an entry in ClinVar:

ClinVar aggregate classification (germline): Pathogenic. Review status: reviewed by expert panel (3 of 4 stars). 4 submissions from 4 submitters: Pathogenic (1). 3 of the submissions do not count toward it. Last evaluated 2016-09-08.

Conditions:
Hereditary cancer-predisposing syndrome. Also called: Tumor predisposition; Hereditary Cancer Syndrome; Neoplastic Syndromes, Hereditary; Hereditary neoplastic syndrome. Identifiers: Orphanet 140162, MedGen C0027672, MeSH D009386, MONDO:0015356.
Breast-ovarian cancer, familial, susceptibility to, 2 (BROVCA2). Also called: BRCA2 Hereditary Breast and Ovarian Cancer. Identifiers: Orphanet 145, MedGen C2675520, MONDO:0012933, OMIM 612555. Disease mechanism: loss of function.

Submissions (4):

Evidence-based Network for the Interpretation of Germline Mutant Alleles (ENIGMA)
Classification: Pathogenic for Breast-ovarian cancer, familial, susceptibility to, 2. Last evaluated: 2016-09-08. Review status: reviewed by expert panel. Criteria: ENIGMA BRCA1/2 Classification Criteria (2015). Collection method: curation. Allele origin: germline.
Comment: Variant allele predicted to encode a truncated non-functional protein.

Ambry Genetics
Classification: Pathogenic for Hereditary cancer-predisposing syndrome. Last evaluated: 2024-03-15. Review status: criteria provided, single submitter. Criteria: Ambry Variant Classification Scheme 2023. Collection method: clinical testing. Allele origin: germline. Not counted in ClinVar's aggregate classification.
Comment: The c.6591delT variant, located in coding exon 10 of the BRCA2 gene, results from a deletion of one nucleotide at nucleotide position 6591, causing a translational frameshift with a predicted alternate stop codon (p.E2198Kfs*8). This variant is considered to be rare based on population cohorts in the Genome Aggregation Database (gnomAD). This alteration is expected to result in loss of function by premature protein truncation or nonsense-mediated mRNA decay. As such, this alteration is interpreted as a disease-causing mutation.

Consortium of Investigators of Modifiers of BRCA1/2 (CIMBA), c/o University of Cambridge
Classification: Pathogenic for Breast-ovarian cancer, familial, susceptibility to, 2. Last evaluated: 2015-10-02. Review status: criteria provided, single submitter. Criteria: CIMBA Mutation Classification guidelines May 2016. Collection method: clinical testing. Allele origin: germline. Not counted in ClinVar's aggregate classification.

Breast Cancer Information Core (BIC) (BRCA2)
Classification: Pathogenic for Breast-ovarian cancer, familial 2. Last evaluated: 2002-05-29. Review status: no assertion criteria provided. Collection method: clinical testing. Allele origin: germline. Affected: yes. Observed: 2 variant alleles. Not counted in ClinVar's aggregate classification.

NM_000059.4(BRCA2):c.6591del (p.Glu2198fs)

Gene: BRCA2 (BRCA2 DNA repair associated; plus strand). Cytogenetic location: 13q13.1.
Variant type: Deletion.
Coding change: c.6591del on transcript NM_000059.4 (MANE Select); coding-DNA position 6591, one base deleted (T; older notation c.6591delT).
Protein change: p.Glu2198fs; shifts the reading frame from glutamic acid 2198.
Molecular consequence: frameshift variant.
Genome position (GRCh38, 1-based): chr13:32,340,946, T deleted. VCF-style (leftmost placement, unchanged base first): chr13-32340945-CT-C. GRCh37 (hg19) VCF-style: chr13-32915082-CT-C.
Other names: 6819delT; c.6591delT (NM_000059.3).
Identifiers: ClinVar variation 126110 (VCV000126110.4), dbSNP rs80359606, ClinGen allele CA024195.